The following is an entry in ClinVar:

ClinVar aggregate classification (germline): Uncertain significance (1 of 4 stars; one submission).

gnomAD v4.1: 3 of 1,613,002 alleles (0.00019%); highest among the groups gnomAD compares: Non-Finnish European, 0.00025%; no homozygotes.

Submission:

Women's Health and Genetics/Laboratory Corporation of America, LabCorp
Classification: Uncertain significance. Last evaluated: 2025-09-04. Review status: criteria provided, single submitter. Criteria: LabCorp Variant Classification Summary - May 2015. Collection method: clinical testing. Allele origin: germline.
Comment: Variant summary: AKT3 c.1190A>G (p.Lys397Arg) results in a conservative amino acid change in the encoded protein sequence. Algorithms developed to predict the effect of missense changes on protein structure and function are either unavailable or do not agree on the potential impact of this missense change. The variant allele was found at a frequency of 4e-06 in 251036 control chromosomes. The available data on variant occurrences in the general population are insufficient to allow any conclusion about variant significance. To our knowledge, no occurrence of c.1190A>G in individuals affected with AKT3-related conditions and no experimental evidence demonstrating its impact on protein function have been reported. No submitters have cited clinical-significance assessments for this variant to ClinVar. Based on the evidence outlined above, the variant was classified as uncertain significance.

NM_005465.7(AKT3):c.1190A>G (p.Lys397Arg)

Gene: AKT3 (AKT serine/threonine kinase 3; minus strand). Cytogenetic location: 1q44.
Variant type: single nucleotide variant.
Coding change: c.1190A>G on transcript NM_005465.7 (MANE Select); coding-DNA position 1190, A replaced by G.
Protein change: p.Lys397Arg; replaces lysine 397 with arginine.
Molecular consequence: missense variant.
Genome position (GRCh38, 1-based): chr1:243,545,571, T>C on the plus strand (A>G on the coding strand, the complement: AKT3 is on the minus strand). VCF-style: chr1-243545571-T-C. GRCh37 (hg19) VCF-style: chr1-243708873-T-C.
Other names: c.1190A>G, p.Lys397Arg (NM_001206729.2, NM_001370074.1, NM_181690.2); short protein forms K397R.
Identifiers: ClinVar variation 4535782 (VCV004535782.1).